The following is an entry in ClinVar:

ClinVar aggregate classification (germline): Pathogenic. Review status: criteria provided, multiple submitters, no conflicts (2 of 4 stars). 3 submissions from 3 submitters: Pathogenic (2). 1 of the submissions does not count toward it. Last evaluated 2025-05-22.

Conditions:
Torsion dystonia 6 (DYT6). Also called: DYT-THAP1. Identifiers: Orphanet 98806, MedGen C1414216, MONDO:0011264, OMIM 602629.

Submissions (3):

Labcorp Genetics (formerly Invitae), Labcorp
Classification: Pathogenic for Torsion dystonia 6. Last evaluated: 2025-05-22. Review status: criteria provided, single submitter. Criteria: Invitae Variant Classification Sherloc (09022015). Collection method: clinical testing. Allele origin: germline.
Comment: This sequence change creates a premature translational stop signal (p.Phe45Leufs*29) in the THAP1 gene. It is expected to result in an absent or disrupted protein product. Loss-of-function variants in THAP1 are known to be pathogenic (PMID: 19345147). Information on the frequency of this variant in the gnomAD database is not available, as this variant may be reported differently in the database. This premature translational stop signal has been observed in individuals with torsion dystonia (PMID: 19182804, 19345147, 23439738). It has also been observed to segregate with disease in related individuals. This variant is also known as (134_135insGGGTT; 137_139delAAC) and F45fs73X. For these reasons, this variant has been classified as Pathogenic.

GeneDx
Classification: Pathogenic. Last evaluated: 2024-06-03. Review status: criteria provided, single submitter. Criteria: GeneDx Variant Classification Process June 2021. Collection method: clinical testing. Allele origin: germline. Affected: yes.
Comment: Reported previously in three families with primary torsion dystonia with Amish-Mennonite ancestry and is considered a founder mutation in the Amish-Mennonite population (PMID: 19182804); Reported previously in a family with dystonia; however, no further clinical information was provided (PMID: 19345147); Published functional studies demonstrate a damaging effect and show that this variant caused the loss of a predicted nuclear localization signal via premature truncation, leading to reduced nuclear localization of the truncated protein and disrupting its function as a transcription factor (PMID: 21495072); Frameshift variant predicted to result in abnormal protein length as the last 169 amino acids are replaced with 28 different amino acids, and other similar variants have been reported in HGMD; Not observed at significant frequency in large population cohorts (gnomAD); Also known as c.137_139delAAC; This variant is associated with the following publications: (PMID: 21495072, 19345147, 19182804)

OMIM
Classification: Pathogenic for DYSTONIA 6, TORSION. Last evaluated: 2009-03-01. Review status: no assertion criteria provided. Collection method: literature only. Allele origin: germline. Not counted in ClinVar's aggregate classification.

Literature cited by the submitters: PubMed 19345147 (cited by Labcorp Genetics (formerly Invitae), Labcorp); PubMed 19182804 (cited by Labcorp Genetics (formerly Invitae), Labcorp and OMIM); PubMed 23439738 (cited by Labcorp Genetics (formerly Invitae), Labcorp).

NM_018105.3(THAP1):c.135_139delinsGGGTTTA (p.Phe45fs)

Gene: THAP1 (THAP domain containing 1; minus strand). Cytogenetic location: 8p11.21.
Variant type: Indel.
Coding change: c.135_139delinsGGGTTTA on transcript NM_018105.3 (MANE Select); coding-DNA positions 135 to 139, TAAAC replaced by GGGTTTA.
Protein change: p.Phe45fs; shifts the reading frame from phenylalanine 45.
Molecular consequence: frameshift variant. On other transcripts: intron variant (1).
Genome position (GRCh38, 1-based): chr8:42,839,314-42,839,318, GTTTA replaced by TAAACCC on the plus strand (TAAAC replaced by GGGTTTA on the coding strand, the reverse complement: THAP1 is on the minus strand). VCF-style: chr8-42839314-GTTTA-TAAACCC. GRCh37 (hg19) VCF-style: chr8-42694457-GTTTA-TAAACCC.
Other names: c.135_139delinsGGGTTTA (NM_018105.2); c.72-982_72-978delinsGGGTTTA (NM_199003.2); short protein forms F45fs.
Identifiers: ClinVar variation 817036 (VCV000817036.8), dbSNP rs1586457060, ClinGen allele CA915945676.